The following is an entry in ClinVar:

NM_001843.4(CNTN1):c.1508A>C (p.Asp503Ala)

Gene: CNTN1 (contactin 1; plus strand). Cytogenetic location: 12q12.
Variant type: single nucleotide variant.
Coding change: c.1508A>C on transcript NM_001843.4 (MANE Select); coding-DNA position 1508, A replaced by C.
Protein change: p.Asp503Ala; replaces aspartic acid 503 with alanine.
Molecular consequence: missense variant.
Genome position (GRCh38, 1-based): chr12:40,943,995, A>C. VCF-style: chr12-40943995-A-C. GRCh37 (hg19) VCF-style: chr12-41337797-A-C.
Other names: c.1508A>C, p.Asp503Ala (NM_001256063.2, NM_001256064.2); c.1475A>C, p.Asp492Ala (NM_175038.2); short protein forms D503A, D492A.
Identifiers: ClinVar variation 469411 (VCV000469411.10), dbSNP rs199754941, ClinGen allele CA6516881.

ClinVar aggregate classification (germline): Uncertain significance (1 of 4 stars; one submission).

Conditions:
Compton-North congenital myopathy (CMYO12). Identifiers: Orphanet 210163, MedGen C2675527, MONDO:0012929, OMIM 612540.

Allele frequency attached by ClinVar (database versions not stated): gnomAD 0.00001; gnomAD exomes 0.00001; ExAC 0.00002.
gnomAD v4.1: 29 of 1,613,108 alleles (0.0018%); highest among the groups gnomAD compares: East Asian, 0.051%; no homozygotes.

Submission:

Labcorp Genetics (formerly Invitae), Labcorp
Classification: Uncertain significance for Compton-North congenital myopathy. Last evaluated: 2022-01-06. Review status: criteria provided, single submitter. Criteria: Invitae Variant Classification Sherloc (09022015). Collection method: clinical testing. Allele origin: germline.
Comment: In summary, the available evidence is currently insufficient to determine the role of this variant in disease. Therefore, it has been classified as a Variant of Uncertain Significance. Algorithms developed to predict the effect of sequence changes on RNA splicing suggest that this variant may disrupt the consensus splice site. Algorithms developed to predict the effect of missense changes on protein structure and function (SIFT, PolyPhen-2, Align-GVGD) all suggest that this variant is likely to be tolerated. ClinVar contains an entry for this variant (Variation ID: 469411). This variant has not been reported in the literature in individuals affected with CNTN1-related conditions. This variant is present in population databases (rs199754941, gnomAD 0.01%). This sequence change replaces aspartic acid, which is acidic and polar, with alanine, which is neutral and non-polar, at codon 503 of the CNTN1 protein (p.Asp503Ala).